The following is an entry in ClinVar:

NM_003954.5(MAP3K14):c.466C>T (p.His156Tyr)

Gene: MAP3K14 (mitogen-activated protein kinase kinase kinase 14; minus strand). Cytogenetic location: 17q21.31.
Variant type: single nucleotide variant.
Coding change: c.466C>T on transcript NM_003954.5 (MANE Select); coding-DNA position 466, C replaced by T.
Protein change: p.His156Tyr; replaces histidine 156 with tyrosine.
Molecular consequence: missense variant.
Genome position (GRCh38, 1-based): chr17:45,287,225, G>A on the plus strand (C>T on the coding strand, the complement: MAP3K14 is on the minus strand). VCF-style: chr17-45287225-G-A. GRCh37 (hg19) VCF-style: chr17-43364591-G-A.
Other names: short protein forms H156Y.
Identifiers: ClinVar variation 862547 (VCV000862547.8), dbSNP rs2044274486, ClinGen allele CA399890286.

ClinVar aggregate classification (germline): Uncertain significance (1 of 4 stars; one submission).

Conditions:
NIK deficiency. Also called: Primary immunodeficiency with multifaceted aberrant lymphoid immunity. Identifiers: Orphanet 447731, MedGen C5680065, MONDO:0018642.

Allele frequency attached by ClinVar (database versions not stated): gnomAD exomes 0.00001.

Submission:

Labcorp Genetics (formerly Invitae), Labcorp
Classification: Uncertain significance for NIK deficiency. Last evaluated: 2019-04-24. Review status: criteria provided, single submitter. Criteria: Invitae Variant Classification Sherloc (09022015). Collection method: clinical testing. Allele origin: germline.
Comment: This sequence change replaces histidine with tyrosine at codon 156 of the MAP3K14 protein (p.His156Tyr). The histidine residue is weakly conserved and there is a moderate physicochemical difference between histidine and tyrosine. This variant is not present in population databases (ExAC no frequency). This variant has not been reported in the literature in individuals with MAP3K14-related conditions. Algorithms developed to predict the effect of missense changes on protein structure and function are either unavailable or do not agree on the potential impact of this missense change (SIFT: "Deleterious"; PolyPhen-2: "Benign"; Align-GVGD: "Class C0"). In summary, the available evidence is currently insufficient to determine the role of this variant in disease. Therefore, it has been classified as a Variant of Uncertain Significance.